The following is an entry in ClinVar:

ClinVar aggregate classification (germline): Likely pathogenic (1 of 4 stars; one submission).

Conditions:
Primary dilated cardiomyopathy (DCM). Also called: Dilated Cardiomyopathy. Identifiers: Orphanet 217604, MedGen C0007193, MeSH D002311, MONDO:0005021, HP:0001644. Inheritance: Various modes of inheritance.

Submission:

Cardiovascular Biomedical Research Unit, Royal Brompton & Harefield NHS Foundation Trust
Classification: Likely pathogenic for Primary dilated cardiomyopathy. Last evaluated: 2014-10-08. Review status: criteria provided, single submitter. Criteria: Roberts et al. 2015. Collection method: research. Allele origin: germline. Inheritance: Autosomal dominant inheritance. Affected: yes. Observed: 1 variant allele. Study: Unselected DCM.
Comment: In the seven cohorts assessed, TTNtv were found in 14% of ambulant DCM, 22% end-stage or familial DCM, and 2% controls. Heterozygous nonsense, frameshift and canonical splice-disrupting variants found in constitutive and other highly utilised exons are highly likely to be pathogenic when identified in individuals with phenotypically confirmed DCM. TTNtv found incidentally in healthy individuals (excluding familial assessment of DCM relatives) are thought to have low penetrance, particularly when identified in exons that are not constitutively expressed in the heart.

NM_001267550.2(TTN):c.89750dup (p.Val29918fs)

Genes: TTN (titin; minus strand), TTN-AS1 (TTN antisense RNA 1; plus strand). Cytogenetic location: 2q31.2.
Variant type: Duplication.
Coding change: c.89750dup on transcript NM_001267550.2 (MANE Select); coding-DNA position 89750, one base duplicated (G; older notation c.89750dupG).
Protein change: p.Val29918fs; shifts the reading frame from valine 29918.
Molecular consequence: frameshift variant.
Genome position (GRCh38, 1-based): chr2:178,553,150, C duplicated on the plus strand (G on the coding strand, the reverse complement: TTN is on the minus strand); the first of 2 consecutive C bases (chr2:178,553,150-178,553,151); duplicating either gives the same sequence. VCF-style (leftmost placement, unchanged base first): chr2-178553149-T-TC. GRCh37 (hg19) VCF-style: chr2-179417876-T-TC.
Other names: c.84827dup, p.Val28277fs (NM_001256850.1); c.62555dup, p.Val20853fs (NM_003319.4); c.82046dup, p.Val27350fs (NM_133378.4); c.62930dup, p.Val20978fs (NM_133432.3); c.63131dup, p.Val21045fs (NM_133437.4); c.89750dupG (LRG_391t1); short protein forms V20853fs, V27350fs, V28277fs, V20978fs, V21045fs, V29918fs.
Identifiers: ClinVar variation 223298 (VCV000223298.1), dbSNP rs869312063, ClinGen allele CA353378.
Genomic context (GRCh38, chr2:178,553,149, plus strand): 5'-GCAGGCAGCTGGTGTGTCAAGCACTTTAACACTCACAGTTGAAGACTTAGGTTCACCAAC[T>TC]CCATTTTCTATTGTGAGAATATATTTTCCTGTATCATTGCGAGTAACTTGAGGAATGGTG-3'